The following is an entry in ClinVar:

ClinVar aggregate classification (germline): Uncertain significance (1 of 4 stars; one submission).

Conditions:
Tuberous sclerosis 2 (TSC2). Identifiers: Orphanet 805, MedGen C1860707, MONDO:0013199, OMIM 613254.

gnomAD v4.1: 1 of 1,611,578 alleles (0.000062%); highest among the groups gnomAD compares: Non-Finnish European, 0.000085%; no homozygotes.

Submission:

Labcorp Genetics (formerly Invitae), Labcorp
Classification: Uncertain significance for Tuberous sclerosis 2. Last evaluated: 2022-10-07. Review status: criteria provided, single submitter. Criteria: Invitae Variant Classification Sherloc (09022015). Collection method: clinical testing. Allele origin: germline.
Comment: This variant is not present in population databases (gnomAD no frequency). This variant has not been reported in the literature in individuals affected with TSC2-related conditions. ClinVar contains an entry for this variant (Variation ID: 1400908). Advanced modeling of protein sequence and biophysical properties (such as structural, functional, and spatial information, amino acid conservation, physicochemical variation, residue mobility, and thermodynamic stability) performed at Invitae indicates that this missense variant is not expected to disrupt TSC2 protein function. In summary, the available evidence is currently insufficient to determine the role of this variant in disease. Therefore, it has been classified as a Variant of Uncertain Significance. This sequence change replaces glycine, which is neutral and non-polar, with serine, which is neutral and polar, at codon 1325 of the TSC2 protein (p.Gly1325Ser).

NM_000548.5(TSC2):c.3973G>A (p.Gly1325Ser)

Gene: TSC2 (TSC complex subunit 2; plus strand). Cytogenetic location: 16p13.3.
Variant type: single nucleotide variant.
Coding change: c.3973G>A on transcript NM_000548.5 (MANE Select); coding-DNA position 3973, G replaced by A.
Protein change: p.Gly1325Ser; replaces glycine 1325 with serine.
Molecular consequence: missense variant.
Genome position (GRCh38, 1-based): chr16:2,083,784, G>A. VCF-style: chr16-2083784-G-A. GRCh37 (hg19) VCF-style: chr16-2133785-G-A.
Other names: c.3241G>A, p.Gly1081Ser (NM_001318831.2); c.3805G>A, p.Gly1269Ser (NM_001318832.2); c.3775G>A, p.Gly1259Ser (NM_001363528.2); c.3772G>A, p.Gly1258Ser (NM_001077183.3); c.3904G>A, p.Gly1302Ser (NM_001114382.3); c.3664G>A, p.Gly1222Ser (NM_001318827.2); c.3628G>A, p.Gly1210Ser (NM_001318829.2); c.3841G>A, p.Gly1281Ser (NM_001370404.1); and 1 more; short protein forms G1259S, G1282S, G1325S, G1258S, G1302S, G1081S, G1210S, G1281S.
Identifiers: ClinVar variation 1400908 (VCV001400908.8), dbSNP rs2151513235, ClinGen allele CA394297549.